The following is an entry in ClinVar:

NM_014000.3(VCL):c.751A>G (p.Thr251Ala)

Gene: VCL (vinculin; plus strand). Cytogenetic location: 10q22.2.
Variant type: single nucleotide variant.
Coding change: c.751A>G on transcript NM_014000.3 (MANE Select); coding-DNA position 751, A replaced by G.
Protein change: p.Thr251Ala; replaces threonine 251 with alanine.
Molecular consequence: missense variant.
Genome position (GRCh38, 1-based): chr10:74,074,871, A>G. VCF-style: chr10-74074871-A-G. GRCh37 (hg19) VCF-style: chr10-75834629-A-G.
Other names: c.751A>G, p.Thr251Ala (NM_003373.4); short protein forms T251A.
Identifiers: ClinVar variation 3651268 (VCV003651268.2).
Genomic context (GRCh38, chr10:74,074,871, plus strand): 5'-AATTTTACTGTAGAAAAAATGAGTGCTGAAATTAATGAGATAATTCGTGTGTTACAACTC[A>G]CCTCTTGGGATGAAGATGCCTGGGCCAGCAAGGTACGTGTTCTTAGTGGAGAAATAAGCA-3'
Protein context (NP_054706.1, residues 241-261): INEIIRVLQL[Thr251Ala]SWDEDAWASK

ClinVar aggregate classification (germline): Uncertain significance (1 of 4 stars; one submission).

Conditions:
Dilated cardiomyopathy 1W (CMD1W). Identifiers: Orphanet 154, MedGen C1969639, MONDO:0012667, OMIM 611407.

Submission:

Labcorp Genetics (formerly Invitae), Labcorp
Classification: Uncertain significance for Dilated cardiomyopathy 1W. Last evaluated: 2024-04-26. Review status: criteria provided, single submitter. Criteria: Invitae Variant Classification Sherloc (09022015). Collection method: clinical testing. Allele origin: germline.
Comment: This sequence change replaces threonine, which is neutral and polar, with alanine, which is neutral and non-polar, at codon 251 of the VCL protein (p.Thr251Ala). This variant is not present in population databases (gnomAD no frequency). This variant has not been reported in the literature in individuals affected with VCL-related conditions. An algorithm developed to predict the effect of missense changes on protein structure and function (PolyPhen-2) suggests that this variant is likely to be disruptive. In summary, the available evidence is currently insufficient to determine the role of this variant in disease. Therefore, it has been classified as a Variant of Uncertain Significance.